The following is an entry in ClinVar:

NM_016203.4(PRKAG2):c.188T>C (p.Val63Ala)

Gene: PRKAG2 (protein kinase AMP-activated non-catalytic subunit gamma 2; minus strand). Cytogenetic location: 7q36.1.
Variant type: single nucleotide variant.
Coding change: c.188T>C on transcript NM_016203.4 (MANE Select); coding-DNA position 188, T replaced by C.
Protein change: p.Val63Ala; replaces valine 63 with alanine.
Molecular consequence: missense variant. On other transcripts: intron variant (1).
Genome position (GRCh38, 1-based): chr7:151,781,430, A>G on the plus strand (T>C on the coding strand, the complement: PRKAG2 is on the minus strand). VCF-style: chr7-151781430-A-G. GRCh37 (hg19) VCF-style: chr7-151478516-A-G.
Other names: c.56T>C, p.Val19Ala (NM_001040633.2, NM_001407024.1, NM_001407026.1 and 2 more transcripts); c.188T>C, p.Val63Ala (NM_001407021.1, NM_001407022.1, NM_001407023.1 and 2 more transcripts); c.148+32986T>C (NM_001407032.1); short protein forms V63A, V19A.
Identifiers: ClinVar variation 3644833 (VCV003644833.2).

ClinVar aggregate classification (germline): Uncertain significance (1 of 4 stars; one submission).

Conditions:
Lethal congenital glycogen storage disease of heart. Also called: GLYCOGEN STORAGE DISEASE OF HEART; PHOSPHORYLASE KINASE DEFICIENCY OF HEART. Identifiers: Orphanet 439854, MedGen C1849813, MONDO:0009867, OMIM 261740.

Submission:

Labcorp Genetics (formerly Invitae), Labcorp
Classification: Uncertain significance for Lethal congenital glycogen storage disease of heart. Last evaluated: 2024-03-07. Review status: criteria provided, single submitter. Criteria: Invitae Variant Classification Sherloc (09022015). Collection method: clinical testing. Allele origin: germline.
Comment: This sequence change replaces valine, which is neutral and non-polar, with alanine, which is neutral and non-polar, at codon 63 of the PRKAG2 protein (p.Val63Ala). This variant is not present in population databases (gnomAD no frequency). This variant has not been reported in the literature in individuals affected with PRKAG2-related conditions. Algorithms developed to predict the effect of missense changes on protein structure and function output the following: SIFT: "Not Available"; PolyPhen-2: "Benign"; Align-GVGD: "Not Available". The alanine amino acid residue is found in multiple mammalian species, which suggests that this missense change does not adversely affect protein function. In summary, the available evidence is currently insufficient to determine the role of this variant in disease. Therefore, it has been classified as a Variant of Uncertain Significance.